The following is an entry in ClinVar:

NM_000209.4(PDX1):c.569T>C (p.Ile190Thr)

Gene: PDX1 (pancreatic and duodenal homeobox 1; plus strand). Cytogenetic location: 13q12.2.
Variant type: single nucleotide variant.
Coding change: c.569T>C on transcript NM_000209.4 (MANE Select); coding-DNA position 569, T replaced by C.
Protein change: p.Ile190Thr; replaces isoleucine 190 with threonine.
Molecular consequence: missense variant.
Genome position (GRCh38, 1-based): chr13:27,924,418, T>C. VCF-style: chr13-27924418-T-C. GRCh37 (hg19) VCF-style: chr13-28498555-T-C.
Other names: short protein forms I190T.
Identifiers: ClinVar variation 1749138 (VCV001749138.3), dbSNP rs2500206458, ClinGen allele CA387645804.

ClinVar aggregate classification (germline): Uncertain significance. Review status: criteria provided, multiple submitters, no conflicts (2 of 4 stars). 2 submissions from 2 submitters: Uncertain significance (2). Last evaluated 2024-04-04.

Conditions:
Maturity-onset diabetes of the young (MODY). Also called: Maturity onset diabetes mellitus in young. Identifiers: Orphanet 552, MedGen C0342276, MONDO:0018911, HP:0004904.
Pancreatic agenesis 1 (PAGEN1). Also called: PANCREATIC HYPOPLASIA, CONGENITAL. Identifiers: Orphanet 2805, MedGen C3891828, MONDO:0024547, OMIM 260370.

Submissions (2):

Genomic Medicine Center of Excellence, King Faisal Specialist Hospital and Research Centre
Classification: Uncertain significance for Pancreatic agenesis 1. Last evaluated: 2024-04-04. Review status: criteria provided, single submitter. Criteria: ACMG Guidelines, 2015. Collection method: clinical testing. Allele origin: germline.

Ambry Genetics
Classification: Uncertain significance for Maturity-onset diabetes of the young. Last evaluated: 2017-09-18. Review status: criteria provided, single submitter. Criteria: Ambry Variant Classification Scheme 2023. Collection method: clinical testing. Allele origin: germline.
Comment: The p.I190T variant (also known as c.569T>C), located in coding exon 2 of the PDX1 gene, results from a T to C substitution at nucleotide position 569. The isoleucine at codon 190 is replaced by threonine, an amino acid with similar properties. This amino acid position is highly conserved in available vertebrate species. In addition, this alteration is predicted to be deleterious by in silico analysis. Since supporting evidence is limited at this time, the clinical significance of this alteration remains unclear.